The following is an entry in ClinVar:

NM_002392.6(MDM2):c.44C>T (p.Pro15Leu)

Genes: MDM2 (MDM2 proto-oncogene; plus strand), LOC126861563 (CDK7 strongly-dependent group 2 enhancer GRCh37_chr12:69202246-69203445; plus strand). Cytogenetic location: 12q15.
Variant type: single nucleotide variant.
Coding change: c.44C>T on transcript NM_002392.6 (MANE Select); coding-DNA position 44, C replaced by T.
Protein change: p.Pro15Leu; replaces proline 15 with leucine.
Molecular consequence: missense variant.
Genome position (GRCh38, 1-based): chr12:68,809,237, C>T. VCF-style: chr12-68809237-C-T. GRCh37 (hg19) VCF-style: chr12-69203017-C-T.
Other names: c.26C>T, p.Pro9Leu (NM_001145337.3, NM_001145340.3, NM_001278462.2 and 1 more transcripts); c.44C>T, p.Pro15Leu (NM_001145339.2); short protein forms P9L, P15L.
Identifiers: ClinVar variation 856511 (VCV000856511.10), dbSNP rs201821879, ClinGen allele CA6678540.

ClinVar aggregate classification (germline): Uncertain significance. Review status: criteria provided, multiple submitters, no conflicts (2 of 4 stars). 3 submissions from 3 submitters: Uncertain significance (3). Last evaluated 2026-01-14.

Conditions:
Accelerated tumor formation, susceptibility to (ACTFS). Identifiers: MedGen C3280690, OMIM 614401, MONDO:0013733.
Lessel-kubisch syndrome. Identifiers: MedGen C5231460, MONDO:0032868, OMIM 618681.

Allele frequency attached by ClinVar (database versions not stated): ExAC 0.00012; gnomAD exomes 0.00016 and 0.00049; TOPMed 0.00017; gnomAD 0.00019; ESP Exome Variant Server 0.00042.
gnomAD v4.1: 756 of 1,613,790 alleles (0.047%); highest among the groups gnomAD compares: Non-Finnish European, 0.06%; no homozygotes.

Submissions (3):

Labcorp Genetics (formerly Invitae), Labcorp
Classification: Uncertain significance for Accelerated tumor formation, susceptibility to. Last evaluated: 2026-01-14. Review status: criteria provided, single submitter. Criteria: Invitae Variant Classification Sherloc (09022015). Collection method: clinical testing. Allele origin: germline.
Comment: This sequence change replaces proline, which is neutral and non-polar, with leucine, which is neutral and non-polar, at codon 15 of the MDM2 protein (p.Pro15Leu). This variant is present in population databases (rs201821879, gnomAD 0.03%). This variant has not been reported in the literature in individuals affected with MDM2-related conditions. ClinVar contains an entry for this variant (Variation ID: 856511). An algorithm developed to predict the effect of missense changes on protein structure and function (PolyPhen-2) suggests that this variant is likely to be tolerated. In summary, the available evidence is currently insufficient to determine the role of this variant in disease. Therefore, it has been classified as a Variant of Uncertain Significance.

Fulgent Genetics
Classification: Uncertain significance for Accelerated tumor formation, susceptibility to; Lessel-kubisch syndrome. Last evaluated: 2024-05-05. Review status: criteria provided, single submitter. Criteria: ACMG Guidelines, 2015. Collection method: clinical testing. Allele origin: germline.

Department of Pathology and Laboratory Medicine, Sinai Health System
Classification: Uncertain significance for Lessel-kubisch syndrome. Last evaluated: 2021-07-30. Review status: criteria provided, single submitter. Criteria: ACMG Guidelines, 2015. Collection method: research. Allele origin: germline.